The following is an entry in ClinVar:

NM_004820.5(CYP7B1):c.137C>T (p.Pro46Leu)

Gene: CYP7B1 (cytochrome P450 family 7 subfamily B member 1; minus strand). Cytogenetic location: 8q12.3.
Variant type: single nucleotide variant.
Coding change: c.137C>T on transcript NM_004820.5 (MANE Select); coding-DNA position 137, C replaced by T.
Protein change: p.Pro46Leu; replaces proline 46 with leucine.
Molecular consequence: missense variant.
Genome position (GRCh38, 1-based): chr8:64,624,525, G>A on the plus strand (C>T on the coding strand, the complement: CYP7B1 is on the minus strand). VCF-style: chr8-64624525-G-A. GRCh37 (hg19) VCF-style: chr8-65537082-G-A.
Other names: c.137C>T, p.Pro46Leu (NM_001324112.2); short protein forms P46L.
Identifiers: ClinVar variation 2068097 (VCV002068097.1), dbSNP rs1271192018, ClinGen allele CA371338991.

ClinVar aggregate classification (germline): Uncertain significance (1 of 4 stars; one submission).

Conditions:
Spastic paraplegia. Identifiers: MedGen C0037772, HP:0001258.

Submission:

Labcorp Genetics (formerly Invitae), Labcorp
Classification: Uncertain significance for Spastic paraplegia. Last evaluated: 2022-06-22. Review status: criteria provided, single submitter. Criteria: Invitae Variant Classification Sherloc (09022015). Collection method: clinical testing. Allele origin: germline.
Comment: This sequence change replaces proline, which is neutral and non-polar, with leucine, which is neutral and non-polar, at codon 46 of the CYP7B1 protein (p.Pro46Leu). This variant is present in population databases (no rsID available, gnomAD 0.002%). This missense change has been observed in individual(s) with clinical features of hereditary spastic paraplegia (Invitae). Algorithms developed to predict the effect of missense changes on protein structure and function are either unavailable or do not agree on the potential impact of this missense change (SIFT: "Deleterious"; PolyPhen-2: "Probably Damaging"; Align-GVGD: "Class C0"). In summary, the available evidence is currently insufficient to determine the role of this variant in disease. Therefore, it has been classified as a Variant of Uncertain Significance.